The following is an entry in ClinVar:

ClinVar aggregate classification (germline): Uncertain significance. Review status: criteria provided, multiple submitters, no conflicts (2 of 4 stars). 2 submissions from 2 submitters: Uncertain significance (2). Last evaluated 2023-07-29.

Conditions:
Ehlers-Danlos syndrome, type 4 (EDSVASC). Also called: Ehlers-Danlos syndrome vascular type; Ehlers Danlos syndrome, ecchymotic type; Ehlers Danlos syndrome, arterial type; Ehlers Danlos syndrome, Sack-Barabas type; Ehlers-Danlos Syndrome Type IV. Identifiers: Orphanet 286, MedGen C0268338, MONDO:0017314, OMIM 130050.

Allele frequency attached by ClinVar (database versions not stated): gnomAD exomes below 0.00001; ESP Exome Variant Server 0.00008.
gnomAD v4.1: 2 of 1,614,028 alleles (0.00012%); highest among the groups gnomAD compares: African/African-American, 0.0013%; no homozygotes.

Submissions (2):

Labcorp Genetics (formerly Invitae), Labcorp
Classification: Uncertain significance for Ehlers-Danlos syndrome, type 4. Last evaluated: 2023-07-29. Review status: criteria provided, single submitter. Criteria: Invitae Variant Classification Sherloc (09022015). Collection method: clinical testing. Allele origin: germline.
Comment: Advanced modeling of protein sequence and biophysical properties (such as structural, functional, and spatial information, amino acid conservation, physicochemical variation, residue mobility, and thermodynamic stability) performed at Invitae indicates that this missense variant is not expected to disrupt COL3A1 protein function. In summary, the available evidence is currently insufficient to determine the role of this variant in disease. Therefore, it has been classified as a Variant of Uncertain Significance. This variant has not been reported in the literature in individuals affected with COL3A1-related conditions. This variant is not present in population databases (gnomAD no frequency). This sequence change replaces proline, which is neutral and non-polar, with serine, which is neutral and polar, at codon 806 of the COL3A1 protein (p.Pro806Ser).

All of Us Research Program, National Institutes of Health
Classification: Uncertain significance for Ehlers-Danlos syndrome, type 4. Last evaluated: 2023-06-27. Review status: criteria provided, single submitter. Criteria: ACMG Guidelines, 2015. Collection method: clinical testing. Allele origin: germline. Inheritance: Autosomal dominant inheritance. Observed: 1 variant allele, 1 heterozygote.
Comment: This study involves interpretation of variants in research participants for the purpose of population health screening. Participant phenotype was not available at the time of variant classification. Additional details can be found in publication PMID: 35346344, PMCID: PMC8962531

NM_000090.4(COL3A1):c.2416C>T (p.Pro806Ser)

Genes: COL3A1 (collagen type III alpha 1 chain; plus strand), LOC126806446 (P300/CBP strongly-dependent group 1 enhancer GRCh37_chr2:189866210-189867409; plus strand). Cytogenetic location: 2q32.2.
Variant type: single nucleotide variant.
Coding change: c.2416C>T on transcript NM_000090.4 (MANE Select); coding-DNA position 2416, C replaced by T.
Protein change: p.Pro806Ser; replaces proline 806 with serine.
Molecular consequence: missense variant.
Genome position (GRCh38, 1-based): chr2:189,002,322, C>T. VCF-style: chr2-189002322-C-T. GRCh37 (hg19) VCF-style: chr2-189867048-C-T.
Other names: short protein forms P806S.
Identifiers: ClinVar variation 2904676 (VCV002904676.4), dbSNP rs76637112, ClinGen allele CA62556012.